The following is an entry in ClinVar:

NM_005026.5(PIK3CD):c.1494C>T (p.Ser498=)

Gene: PIK3CD (phosphatidylinositol-4,5-bisphosphate 3-kinase catalytic subunit delta; plus strand). Cytogenetic location: 1p36.22.
Variant type: single nucleotide variant.
Coding change: c.1494C>T on transcript NM_005026.5 (MANE Select); coding-DNA position 1494, C replaced by T.
Protein change: p.Ser498=; no amino-acid change (serine 498 retained).
Molecular consequence: synonymous variant.
Genome position (GRCh38, 1-based): chr1:9,720,634, C>T. VCF-style: chr1-9720634-C-T. GRCh37 (hg19) VCF-style: chr1-9780692-C-T.
Other names: c.1494C>T, p.Ser498= (NM_001350234.2); c.1407C>T, p.Ser469= (NM_001350235.1).
Identifiers: ClinVar variation 3012264 (VCV003012264.3), dbSNP rs1221225492, ClinGen allele CA416033183.

ClinVar aggregate classification (germline): Uncertain significance (1 of 4 stars; one submission).

Conditions:
Immunodeficiency 14 (IMD14A). Also called: ACTIVATED PI3K-DELTA SYNDROME 1; p110-DELTA-ACTIVATING MUTATION CAUSING SENESCENT T CELLS, LYMPHADENOPATHY, AND IMMUNODEFICIENCY; Activated PI3K Delta Syndrome Type 1 (APDS1); IMMUNODEFICIENCY 14A WITH LYMPHOPROLIFERATION, AUTOSOMAL DOMINANT. Identifiers: Orphanet 397596, Orphanet 693661, MedGen C5907821, MONDO:0014222, OMIM 615513.

gnomAD v4.1: 1 of 1,262,144 alleles (0.000079%); highest among the groups gnomAD compares: Non-Finnish European, 0.0001%; no homozygotes.

Submission:

Labcorp Genetics (formerly Invitae), Labcorp
Classification: Uncertain significance for Activated PI3K-delta syndrome. Last evaluated: 2023-03-03. Review status: criteria provided, single submitter. Criteria: Invitae Variant Classification Sherloc (09022015). Collection method: clinical testing. Allele origin: germline.
Comment: In summary, the available evidence is currently insufficient to determine the role of this variant in disease. Therefore, it has been classified as a Variant of Uncertain Significance. Algorithms developed to predict the effect of sequence changes on RNA splicing suggest that this variant may create or strengthen a splice site. This variant has not been reported in the literature in individuals affected with PIK3CD-related conditions. This variant is not present in population databases (gnomAD no frequency). This sequence change affects codon 498 of the PIK3CD mRNA. It is a 'silent' change, meaning that it does not change the encoded amino acid sequence of the PIK3CD protein.